The following is an entry in ClinVar:

NM_000465.4(BARD1):c.112C>T (p.Arg38Cys)

Gene: BARD1 (BRCA1 associated RING domain 1; minus strand). Cytogenetic location: 2q35.
Variant type: single nucleotide variant.
Coding change: c.112C>T on transcript NM_000465.4 (MANE Select); coding-DNA position 112, C replaced by T.
Protein change: p.Arg38Cys; replaces arginine 38 with cysteine.
Molecular consequence: missense variant. On other transcripts: non-coding transcript variant (3).
Genome position (GRCh38, 1-based): chr2:214,809,458, G>A on the plus strand (C>T on the coding strand, the complement: BARD1 is on the minus strand). VCF-style: chr2-214809458-G-A. GRCh37 (hg19) VCF-style: chr2-215674182-G-A.
Other names: c.112C>T, p.Arg38Cys (NM_001282543.2, NM_001282545.2, NM_001282548.2 and 1 more transcripts); short protein forms R38C.
Identifiers: ClinVar variation 482784 (VCV000482784.16), dbSNP rs1553628385, ClinGen allele CA350464977.

ClinVar aggregate classification (germline): Uncertain significance. Review status: criteria provided, multiple submitters, no conflicts (2 of 4 stars). 4 submissions from 4 submitters: Uncertain significance (4). Last evaluated 2025-01-06.

Conditions:
Hereditary breast ovarian cancer syndrome. Also called: Hereditary breast and ovarian cancer syndrome; Hereditary breast and ovarian cancer; Hereditary breast and ovarian cancer syndrome (HBOC); Breast and ovarian cancer; Hereditary breast and/or ovarian cancer syndrome; BRCA1- and BRCA2-Associated Hereditary Breast and Ovarian Cancer. Identifiers: Orphanet 145, MedGen C0677776, MeSH D061325, MONDO:0003582. Disease mechanism: loss of function.
Familial cancer of breast. Also called: BREAST CANCER, FAMILIAL; Hereditary breast cancer; hereditary breast carcinoma. Identifiers: Orphanet 227535, MedGen C0346153, MONDO:0016419, OMIM 114480. Disease mechanism: loss of function.
Hereditary cancer-predisposing syndrome. Also called: Neoplastic Syndromes, Hereditary; Tumor predisposition; Hereditary Cancer Syndrome; Hereditary neoplastic syndrome. Identifiers: Orphanet 140162, MedGen C0027672, MeSH D009386, MONDO:0015356.

Submissions (4):

Ambry Genetics
Classification: Uncertain significance for Hereditary cancer-predisposing syndrome. Last evaluated: 2025-01-06. Review status: criteria provided, single submitter. Criteria: Ambry Variant Classification Scheme 2023. Collection method: clinical testing. Allele origin: germline.
Comment: The p.R38C variant (also known as c.112C>T), located in coding exon 1 of the BARD1 gene, results from a C to T substitution at nucleotide position 112. The arginine at codon 38 is replaced by cysteine, an amino acid with highly dissimilar properties. This variant was not reported in population based cohorts in the following databases: Database of Single Nucleotide Polymorphisms (dbSNP), NHLBI Exome Sequencing Project (ESP), and 1000 Genomes Project. In the ESP, this variant was not observed in 6217 samples (12434 alleles) with coverage at this position. To date, this alteration has been detected with an allele frequency of approximately 0.001% (greater than 120000 alleles tested) in our clinical cohort. This amino acid position is highly conserved in available vertebrate species. In addition, the in silico prediction for this alteration is inconclusive. Since supporting evidence is limited at this time, the clinical significance of this alteration remains unclear.

Labcorp Genetics (formerly Invitae), Labcorp
Classification: Uncertain significance for Familial cancer of breast. Last evaluated: 2021-08-24. Review status: criteria provided, single submitter. Criteria: Invitae Variant Classification Sherloc (09022015). Collection method: clinical testing. Allele origin: germline.
Comment: In summary, the available evidence is currently insufficient to determine the role of this variant in disease. Therefore, it has been classified as a Variant of Uncertain Significance. Algorithms developed to predict the effect of missense changes on protein structure and function are either unavailable or do not agree on the potential impact of this missense change (SIFT: "Deleterious"; PolyPhen-2: "Probably Damaging"; Align-GVGD: "Class C0"). ClinVar contains an entry for this variant (Variation ID: 482784). This variant has not been reported in the literature in individuals affected with BARD1-related conditions. This variant is not present in population databases (ExAC no frequency). This sequence change replaces arginine with cysteine at codon 38 of the BARD1 protein (p.Arg38Cys). The arginine residue is highly conserved and there is a large physicochemical difference between arginine and cysteine.

Department of Pathology and Laboratory Medicine, Sinai Health System
Classification: Uncertain significance for Hereditary breast ovarian cancer syndrome. Last evaluated: 2019-10-31. Review status: criteria provided, single submitter. Criteria: ACMG Guidelines, 2015. Collection method: clinical testing. Allele origin: germline. Affected: yes.

Color Diagnostics, LLC DBA Color Health
Classification: Uncertain significance for Hereditary cancer-predisposing syndrome. Last evaluated: 2019-03-25. Review status: criteria provided, single submitter. Criteria: ACMG Guidelines, 2015. Collection method: clinical testing. Allele origin: germline.